The following is an entry in ClinVar:

NM_001009999.3(KDM1A):c.2142G>C (p.Glu714Asp)

Gene: KDM1A (lysine demethylase 1A; plus strand). Cytogenetic location: 1p36.12.
Variant type: single nucleotide variant.
Coding change: c.2142G>C on transcript NM_001009999.3 (MANE Select); coding-DNA position 2142, G replaced by C.
Protein change: p.Glu714Asp; replaces glutamic acid 714 with aspartic acid.
Molecular consequence: missense variant.
Genome position (GRCh38, 1-based): chr1:23,079,639, G>C. VCF-style: chr1-23079639-G-C. GRCh37 (hg19) VCF-style: chr1-23406132-G-C.
Other names: c.2088G>C, p.Glu696Asp (NM_001363654.2); c.2148G>C, p.Glu716Asp (NM_001410762.1); c.2070G>C, p.Glu690Asp (NM_001410763.1, NM_015013.4); short protein forms E714D, E716D, E690D, E696D.
Identifiers: ClinVar variation 2870540 (VCV002870540.3), dbSNP rs1359582509, ClinGen allele CA338971446.

ClinVar aggregate classification (germline): Uncertain significance (1 of 4 stars; one submission).

Submission:

Labcorp Genetics (formerly Invitae), Labcorp
Classification: Uncertain significance. Last evaluated: 2024-10-28. Review status: criteria provided, single submitter. Criteria: Invitae Variant Classification Sherloc (09022015). Collection method: clinical testing. Allele origin: germline.
Comment: This sequence change replaces glutamic acid, which is acidic and polar, with aspartic acid, which is acidic and polar, at codon 714 of the KDM1A protein (p.Glu714Asp). This variant is present in population databases (no rsID available, gnomAD 0.003%). This variant has not been reported in the literature in individuals affected with KDM1A-related conditions. Invitae Evidence Modeling of protein sequence and biophysical properties (such as structural, functional, and spatial information, amino acid conservation, physicochemical variation, residue mobility, and thermodynamic stability) indicates that this missense variant is expected to disrupt KDM1A protein function with a positive predictive value of 80%. In summary, the available evidence is currently insufficient to determine the role of this variant in disease. Therefore, it has been classified as a Variant of Uncertain Significance.